The following is an entry in ClinVar:

NM_004168.4(SDHA):c.1012G>A (p.Ala338Thr)

Gene: SDHA (succinate dehydrogenase complex flavoprotein subunit A; plus strand). Cytogenetic location: 5p15.33.
Variant type: single nucleotide variant.
Coding change: c.1012G>A on transcript NM_004168.4 (MANE Select); coding-DNA position 1012, G replaced by A.
Protein change: p.Ala338Thr; replaces alanine 338 with threonine.
Molecular consequence: missense variant.
Genome position (GRCh38, 1-based): chr5:233,593, G>A. VCF-style: chr5-233593-G-A. GRCh37 (hg19) VCF-style: chr5-233708-G-A.
Other names: c.868G>A, p.Ala290Thr (NM_001294332.2); c.1012G>A, p.Ala338Thr (NM_001330758.2); c.1012G>A (NM_004168.2); short protein forms A290T, A338T.
Identifiers: ClinVar variation 1465284 (VCV001465284.8), dbSNP rs2126577878, ClinGen allele CA359012862.

ClinVar aggregate classification (germline): Uncertain significance. Review status: criteria provided, multiple submitters, no conflicts (2 of 4 stars). 3 submissions from 3 submitters: Uncertain significance (3). Last evaluated 2026-03-06.

Conditions:
Hereditary cancer-predisposing syndrome. Also called: Neoplastic Syndromes, Hereditary; Hereditary Cancer Syndrome; Hereditary neoplastic syndrome; Tumor predisposition. Identifiers: Orphanet 140162, MedGen C0027672, MeSH D009386, MONDO:0015356.
Mitochondrial complex II deficiency, nuclear type 1. Also called: SUCCINATE CoQ REDUCTASE DEFICIENCY. Identifiers: Orphanet 3208, MedGen C5700310, MONDO:0100294, OMIM 252011.
Pheochromocytoma/paraganglioma syndrome 5. Also called: Paragangliomas 5; SDHA-Related Hereditary Paraganglioma-Pheochromocytoma Syndrome. Identifiers: Orphanet 29072, MedGen C3279992, MONDO:0013602, OMIM 614165.

Submissions (3):

Ambry Genetics
Classification: Uncertain significance for Hereditary cancer-predisposing syndrome. Last evaluated: 2026-03-06. Review status: criteria provided, single submitter. Criteria: Ambry Variant Classification Scheme 2023. Collection method: clinical testing. Allele origin: germline.
Comment: The p.A338T variant (also known as c.1012G>A), located in coding exon 8 of the SDHA gene, results from a G to A substitution at nucleotide position 1012. The alanine at codon 338 is replaced by threonine, an amino acid with similar properties. This amino acid position is conserved. In addition, this alteration is predicted to be deleterious by in silico analysis. Based on the available evidence, the clinical significance of this variant remains unclear.

AiLife Diagnostics
Classification: Uncertain significance. Last evaluated: 2021-12-16. Review status: criteria provided, single submitter. Criteria: ACMG Guidelines, 2015. Collection method: clinical testing. Allele origin: germline. Affected: yes. Observed: 1 variant allele.

Labcorp Genetics (formerly Invitae), Labcorp
Classification: Uncertain significance for Pheochromocytoma/paraganglioma syndrome 5; Mitochondrial complex II deficiency, nuclear type 1. Last evaluated: 2021-11-14. Review status: criteria provided, single submitter. Criteria: Invitae Variant Classification Sherloc (09022015). Collection method: clinical testing. Allele origin: germline.
Comment: In summary, the available evidence is currently insufficient to determine the role of this variant in disease. Therefore, it has been classified as a Variant of Uncertain Significance. Algorithms developed to predict the effect of missense changes on protein structure and function (SIFT, PolyPhen-2, Align-GVGD) all suggest that this variant is likely to be disruptive. This variant has not been reported in the literature in individuals affected with SDHA-related conditions. This variant is not present in population databases (gnomAD no frequency). This sequence change replaces alanine, which is neutral and non-polar, with threonine, which is neutral and polar, at codon 338 of the SDHA protein (p.Ala338Thr).